The following is an entry in ClinVar:

ClinVar aggregate classification (germline): Uncertain significance. Review status: criteria provided, multiple submitters, no conflicts (2 of 4 stars). 2 submissions from 2 submitters: Uncertain significance (2). Last evaluated 2025-10-21.

Conditions:
Cardiovascular phenotype. Identifiers: MedGen CN230736.
Hereditary cancer-predisposing syndrome. Also called: Hereditary neoplastic syndrome; Hereditary Cancer Syndrome; Neoplastic Syndromes, Hereditary; Tumor predisposition. Identifiers: Orphanet 140162, MedGen C0027672, MeSH D009386, MONDO:0015356.
Neurofibromatosis, type 1 (NF1). Also called: Peripheral type neurofibromatosis; Neurofibromatosis, type I; NEUROFIBROMATOSIS, TYPE I, SOMATIC; VON RECKLINGHAUSEN DISEASE. Identifiers: Orphanet 636, MedGen C0027831, MONDO:0018975, OMIM 162200. Disease mechanism: loss of function.

gnomAD v4.1: 1 of 1,614,100 alleles (0.000062%); highest among the groups gnomAD compares: Non-Finnish European, 0.000085%; no homozygotes.

Submissions (2):

Ambry Genetics
Classification: Uncertain significance for Cardiovascular phenotype; Hereditary cancer-predisposing syndrome. Last evaluated: 2025-10-21. Review status: criteria provided, single submitter. Criteria: Ambry Variant Classification Scheme 2023. Collection method: clinical testing. Allele origin: germline.
Comment: The p.P2138S variant (also known as c.6412C>T), located in coding exon 42 of the NF1 gene, results from a C to T substitution at nucleotide position 6412. The proline at codon 2138 is replaced by serine, an amino acid with similar properties. This amino acid position is highly conserved in available vertebrate species. In addition, the in silico prediction for this alteration is inconclusive. Based on the available evidence, the clinical significance of this alteration remains unclear.

Labcorp Genetics (formerly Invitae), Labcorp
Classification: Uncertain significance for Neurofibromatosis, type 1. Last evaluated: 2023-08-06. Review status: criteria provided, single submitter. Criteria: Invitae Variant Classification Sherloc (09022015). Collection method: clinical testing. Allele origin: germline.
Comment: This sequence change replaces proline, which is neutral and non-polar, with serine, which is neutral and polar, at codon 2138 of the NF1 protein (p.Pro2138Ser). In summary, the available evidence is currently insufficient to determine the role of this variant in disease. Therefore, it has been classified as a Variant of Uncertain Significance. Advanced modeling of protein sequence and biophysical properties (such as structural, functional, and spatial information, amino acid conservation, physicochemical variation, residue mobility, and thermodynamic stability) performed at Invitae indicates that this missense variant is expected to disrupt NF1 protein function. ClinVar contains an entry for this variant (Variation ID: 1373129). This variant has not been reported in the literature in individuals affected with NF1-related conditions. This variant is not present in population databases (gnomAD no frequency).

NM_001042492.3(NF1):c.6475C>T (p.Pro2159Ser)

Gene: NF1 (neurofibromin 1; plus strand). Cytogenetic location: 17q11.2.
Variant type: single nucleotide variant.
Coding change: c.6475C>T on transcript NM_001042492.3 (MANE Select); coding-DNA position 6475, C replaced by T.
Protein change: p.Pro2159Ser; replaces proline 2159 with serine.
Molecular consequence: missense variant.
Genome position (GRCh38, 1-based): chr17:31,337,415, C>T. VCF-style: chr17-31337415-C-T. GRCh37 (hg19) VCF-style: chr17-29664433-C-T.
Other names: c.6412C>T, p.Pro2138Ser (NM_000267.4); short protein forms P2138S, P2159S.
Identifiers: ClinVar variation 1373129 (VCV001373129.8), dbSNP rs2151556095, ClinGen allele CA399013090.
Genomic context (GRCh38, chr17:31,337,415, plus strand): 5'-TATTCTCTTACAGAAGAGACCAAGCAAGTTTTGAGACTCAGTCTGACAGAGTTCTCATTA[C>T]CCAAATTTTACTTGCTGTTTGGCATTAGCAAAGTCAAGTCAGCTGCTGTCATTGCCTTCC-3'
Protein context (NP_001035957.1, residues 2149-2169): LRLSLTEFSL[Pro2159Ser]KFYLLFGISK